The following is an entry in ClinVar:

NM_182961.4(SYNE1):c.478A>G (p.Ser160Gly)

Gene: SYNE1 (spectrin repeat containing nuclear envelope protein 1; minus strand). Cytogenetic location: 6q25.2.
Variant type: single nucleotide variant.
Coding change: c.478A>G on transcript NM_182961.4 (MANE Select); coding-DNA position 478, A replaced by G.
Protein change: p.Ser160Gly; replaces serine 160 with glycine.
Molecular consequence: missense variant.
Genome position (GRCh38, 1-based): chr6:152,510,296, T>C on the plus strand (A>G on the coding strand, the complement: SYNE1 is on the minus strand). VCF-style: chr6-152510296-T-C. GRCh37 (hg19) VCF-style: chr6-152831431-T-C.
Other names: c.499A>G, p.Ser167Gly (NM_033071.5); short protein forms S160G, S167G.
Identifiers: ClinVar variation 2633932 (VCV002633932.1), dbSNP rs775378964, ClinGen allele CA4059716.
Genomic context (GRCh38, chr6:152,510,296, plus strand): 5'-CATTTCCTTGGATCTTGGTGGTCACCTTCCGTTTACTTGGTGGGCTGGGAGTCTCAGAGC[T>C]AACTATGCTGTCCACGGAGGATGCGCTGCTGGACAAAGACTGGAGCTGGGGCAGGTTGCT-3'
Protein context (NP_892006.3, residues 150-170): SSASSVDSIV[Ser160Gly]SETPSPPSKR

ClinVar aggregate classification (germline): Uncertain significance (1 of 4 stars; one submission).

Conditions:
SYNE1-related disorder. Also called: SYNE1-related disease; SYNE1-related condition; SYNE1-related disorders.

Allele frequency attached by ClinVar (database versions not stated): gnomAD exomes below 0.00001; ExAC 0.00002.
gnomAD v4.1: 2 of 1,614,164 alleles (0.00012%); highest among the groups gnomAD compares: Non-Finnish European, 0.00017%; no homozygotes.

Submission:

PreventionGenetics, part of Exact Sciences
Classification: Uncertain significance for SYNE1-related condition. Last evaluated: 2023-10-02. Review status: criteria provided, single submitter. Criteria: ACMG Guidelines, 2015. Collection method: clinical testing. Allele origin: germline.
Comment: The SYNE1 c.499A>G variant is predicted to result in the amino acid substitution p.Ser167Gly. To our knowledge, this variant has not been reported in the literature. This variant is reported in 0.0018% of alleles in individuals of European (Non-Finnish) descent in gnomAD. At this time, the clinical significance of this variant is uncertain due to the absence of conclusive functional and genetic evidence.